The following is an entry in ClinVar:

ClinVar aggregate classification (germline): Uncertain significance (1 of 4 stars; one submission).

Submission:

Greenwood Genetic Center Diagnostic Laboratories, Greenwood Genetic Center
Classification: Uncertain significance. Last evaluated: 2021-01-28. Review status: criteria provided, single submitter. Criteria: ACMG Guidelines, 2015. Collection method: clinical testing. Allele origin: germline. Affected: yes.
Comment: PP3, PM2

NM_000489.6(ATRX):c.3649G>T (p.Gly1217Cys)

Gene: ATRX (ATRX chromatin remodeler; minus strand). Cytogenetic location: Xq21.1.
Variant type: single nucleotide variant.
Coding change: c.3649G>T on transcript NM_000489.6 (MANE Select); coding-DNA position 3649, G replaced by T.
Protein change: p.Gly1217Cys; replaces glycine 1217 with cysteine.
Molecular consequence: missense variant.
Genome position (GRCh38, 1-based): chrX:77,681,607, C>A on the plus strand (G>T on the coding strand, the complement: ATRX is on the minus strand). VCF-style: chrX-77681607-C-A. GRCh37 (hg19) VCF-style: chrX-76937099-C-A.
Other names: c.3535G>T, p.Gly1179Cys (NM_138270.5); short protein forms G1179C, G1217C.
Identifiers: ClinVar variation 1331667 (VCV001331667.4), dbSNP rs781917332, ClinGen allele CA413705852.